The following is an entry in ClinVar:

ClinVar aggregate classification (germline): Uncertain significance (1 of 4 stars; one submission).

gnomAD v4.1: 15 of 1,614,154 alleles (0.00093%); highest among the groups gnomAD compares: East Asian, 0.033%; no homozygotes.

Submission:

Labcorp Genetics (formerly Invitae), Labcorp
Classification: Uncertain significance. Last evaluated: 2025-01-20. Review status: criteria provided, single submitter. Criteria: Invitae Variant Classification Sherloc (09022015). Collection method: clinical testing. Allele origin: germline.
Comment: This sequence change falls in intron 9 of the GNAS gene. It does not directly change the encoded amino acid sequence of the GNAS protein. It affects a nucleotide within the consensus splice site. This variant is present in population databases (rs768714604, gnomAD 0.01%). This variant has not been reported in the literature in individuals affected with GNAS-related conditions. Variants that disrupt the consensus splice site are a relatively common cause of aberrant splicing (PMID: 17576681, 9536098). Algorithms developed to predict the effect of sequence changes on RNA splicing suggest that this variant is not likely to affect RNA splicing. In summary, the available evidence is currently insufficient to determine the role of this variant in disease. Therefore, it has been classified as a Variant of Uncertain Significance.

Literature cited by the submitters: PubMed 17576681; PubMed 9536098.

NM_000516.7(GNAS):c.718+6A>G

Gene: GNAS (GNAS complex locus; plus strand). Cytogenetic location: 20q13.32.
Variant type: single nucleotide variant.
Coding change: c.718+6A>G on transcript NM_000516.7 (MANE Select); 6 bases into the intron after coding-DNA position 718, A replaced by G.
Molecular consequence: intron variant.
Genome position (GRCh38, 1-based): chr20:58,909,585, A>G. VCF-style: chr20-58909585-A-G. GRCh37 (hg19) VCF-style: chr20-57484640-A-G.
Other names: c.*624+6A>G (NM_016592.5); c.622+6A>G (NM_001410912.1); c.541+6A>G (NM_001309861.2, NM_001309840.2); c.*579+6A>G (NM_001077490.3); c.2647+6A>G (NM_080425.4); c.2602+6A>G (NM_001410913.1); c.721+6A>G (NM_001077488.5); c.676+6A>G (NM_080426.4); and 1 more.
Identifiers: ClinVar variation 3667709 (VCV003667709.2).